The following is an entry in ClinVar:

ClinVar aggregate classification (germline): Uncertain significance. Review status: criteria provided, multiple submitters, no conflicts (2 of 4 stars). 3 submissions from 3 submitters: Uncertain significance (3). Last evaluated 2025-10-10.

Conditions:
Inborn genetic diseases. Identifiers: MedGen C0950123, MeSH D030342.
Heterotaxy, visceral, 8, autosomal (HTX8). Identifiers: MedGen C4310668, MONDO:0014967, OMIM 617205.

Allele frequency attached by ClinVar (database versions not stated): gnomAD exomes 0.00005 and 0.00001; ESP Exome Variant Server 0.00031; ExAC 0.00007; gnomAD 0.00021 and 0.00024; TOPMed 0.00021.
gnomAD v4.1: 52 of 1,614,064 alleles (0.0032%); highest among the groups gnomAD compares: African/African-American, 0.053%; no homozygotes.

Submissions (3):

Labcorp Genetics (formerly Invitae), Labcorp
Classification: Uncertain significance. Last evaluated: 2025-10-10. Review status: criteria provided, single submitter. Criteria: Invitae Variant Classification Sherloc (09022015). Collection method: clinical testing. Allele origin: germline.
Comment: This sequence change replaces proline, which is neutral and non-polar, with serine, which is neutral and polar, at codon 305 of the PKD1L1 protein (p.Pro305Ser). This variant is present in population databases (rs201201664, gnomAD 0.04%). This variant has not been reported in the literature in individuals affected with PKD1L1-related conditions. ClinVar contains an entry for this variant (Variation ID: 1162234). An algorithm developed to predict the effect of missense changes on protein structure and function outputs the following: PolyPhen-2: "Benign". The serine amino acid residue is found in multiple mammalian species, which suggests that this missense change does not adversely affect protein function. In summary, the available evidence is currently insufficient to determine the role of this variant in disease. Therefore, it has been classified as a Variant of Uncertain Significance.

Ambry Genetics
Classification: Uncertain significance for Inborn genetic diseases. Last evaluated: 2024-08-20. Review status: criteria provided, single submitter. Criteria: Ambry Variant Classification Scheme 2023. Collection method: clinical testing. Allele origin: germline.

Johns Hopkins Genomics, Johns Hopkins University
Classification: Uncertain significance for Heterotaxy, visceral, 8, autosomal. Last evaluated: 2021-05-12. Review status: criteria provided, single submitter. Criteria: ACMG Guidelines, 2015. Collection method: clinical testing. Allele origin: germline.
Comment: This PKD1L1 variant (rs201201664) is rare (<0.1%) in a large population dataset (gnomAD: 14/282894 total alleles; 0.005%; no homozygotes) and has not been reported in ClinVar nor the literature, to our knowledge. Three bioinformatic tools queried predict that this substitution would be tolerated and the proline residue at this position is not highly evolutionarily conserved across the species assessed. We consider the clinical significance of PKD1L1 c.913C>T to be uncertain at this time.

Literature cited by the submitters: PubMed 27616478 (cited by Johns Hopkins Genomics, Johns Hopkins University); PubMed 31026592 (cited by Johns Hopkins Genomics, Johns Hopkins University).

NM_138295.5(PKD1L1):c.913C>T (p.Pro305Ser)

Gene: PKD1L1 (polycystin 1 like 1, transient receptor potential channel interacting; minus strand). Cytogenetic location: 7p12.3.
Variant type: single nucleotide variant.
Coding change: c.913C>T on transcript NM_138295.5 (MANE Select); coding-DNA position 913, C replaced by T.
Protein change: p.Pro305Ser; replaces proline 305 with serine.
Molecular consequence: missense variant.
Genome position (GRCh38, 1-based): chr7:47,929,351, G>A on the plus strand (C>T on the coding strand, the complement: PKD1L1 is on the minus strand). VCF-style: chr7-47929351-G-A. GRCh37 (hg19) VCF-style: chr7-47968948-G-A.
Other names: c.913C>T (NM_138295.3); short protein forms P305S.
Identifiers: ClinVar variation 1162234 (VCV001162234.7), dbSNP rs201201664, ClinGen allele CA4254196.
Genomic context (GRCh38, chr7:47,929,351, plus strand): 5'-CCATCATCAGACAGAGAGCCTCTCCAGAAGCCATATGAACACGGAATCCCAGATTTGGAG[G>A]TGCCCGAGCTTCCACTTCCAGGGAGCAATTAAGAACAGGGTTCATGAAGTTATCAGAATT-3'
Protein context (NP_612152.1, residues 295-315): NCSLEVEARA[Pro305Ser]PNLGFRVHMA